The following is an entry in ClinVar:

ClinVar aggregate classification (germline): Pathogenic (1 of 4 stars; one submission).

Conditions:
Familial thoracic aortic aneurysm and aortic dissection (TAAD). Also called: Thoracic aortic aneurysms and dissections. Identifiers: Orphanet 91387, MedGen C4707243, MONDO:0019625.
Marfan syndrome (MFS). Also called: MARFAN SYNDROME, TYPE I; Marfan syndrome type 1; Marfan's syndrome; Marfan syndrome, classic; FBN1-Related Marfan Syndrome. Identifiers: Orphanet 284963, Orphanet 558, MedGen C0024796, MONDO:0007947, OMIM 154700.

Submission:

Labcorp Genetics (formerly Invitae), Labcorp
Classification: Pathogenic for Marfan syndrome; Familial thoracic aortic aneurysm and aortic dissection. Last evaluated: 2024-10-16. Review status: criteria provided, single submitter. Criteria: Invitae Variant Classification Sherloc (09022015). Collection method: clinical testing. Allele origin: germline.
Comment: This sequence change creates a premature translational stop signal (p.Tyr2060*) in the FBN1 gene. It is expected to result in an absent or disrupted protein product. Loss-of-function variants in FBN1 are known to be pathogenic (PMID: 17657824, 19293843). This variant is not present in population databases (gnomAD no frequency). A different variant (c.6180C>G) giving rise to the same protein effect has been determined to be pathogenic (PMID: 25907466). This suggests that this variant is also likely to be causative of disease. ClinVar contains an entry for this variant (Variation ID: 2029198). Algorithms developed to predict the effect of sequence changes on RNA splicing suggest that this variant may disrupt the consensus splice site. For these reasons, this variant has been classified as Pathogenic.

Literature cited by the submitters: PubMed 17657824; PubMed 19293843; PubMed 25907466.

NM_000138.5(FBN1):c.6180C>A (p.Tyr2060Ter)

Gene: FBN1 (fibrillin 1; minus strand). Cytogenetic location: 15q21.1.
Variant type: single nucleotide variant.
Coding change: c.6180C>A on transcript NM_000138.5 (MANE Select); coding-DNA position 6180, C replaced by A.
Protein change: p.Tyr2060Ter; replaces tyrosine 2060 with a stop codon.
Molecular consequence: nonsense.
Genome position (GRCh38, 1-based): chr15:48,437,901, G>T on the plus strand (C>A on the coding strand, the complement: FBN1 is on the minus strand). VCF-style: chr15-48437901-G-T. GRCh37 (hg19) VCF-style: chr15-48730098-G-T.
Other names: c.6180C>A, p.Tyr2060Ter (NM_001406716.1); short protein forms Y2060*.
Identifiers: ClinVar variation 2029198 (VCV002029198.4), dbSNP rs974604498, ClinGen allele CA392337283.